The following is an entry in ClinVar:

ClinVar aggregate classification (germline): Uncertain significance (1 of 4 stars; one submission).

Conditions:
Spastic paraplegia. Identifiers: MedGen C0037772, HP:0001258.

Submission:

Labcorp Genetics (formerly Invitae), Labcorp
Classification: Uncertain significance for Spastic paraplegia. Last evaluated: 2024-07-11. Review status: criteria provided, single submitter. Criteria: Invitae Variant Classification Sherloc (09022015). Collection method: clinical testing. Allele origin: germline.
Comment: This sequence change replaces isoleucine, which is neutral and non-polar, with methionine, which is neutral and non-polar, at codon 944 of the KIF5A protein (p.Ile944Met). This variant is not present in population databases (gnomAD no frequency). This variant has not been reported in the literature in individuals affected with KIF5A-related conditions. Advanced modeling of protein sequence and biophysical properties (such as structural, functional, and spatial information, amino acid conservation, physicochemical variation, residue mobility, and thermodynamic stability) has been performed at Invitae for this missense variant, however the output from this modeling did not meet the statistical confidence thresholds required to predict the impact of this variant on KIF5A protein function. In summary, the available evidence is currently insufficient to determine the role of this variant in disease. Therefore, it has been classified as a Variant of Uncertain Significance.

NM_004984.4(KIF5A):c.2832C>G (p.Ile944Met)

Gene: KIF5A (kinesin family member 5A; plus strand). Cytogenetic location: 12q13.3.
Variant type: single nucleotide variant.
Coding change: c.2832C>G on transcript NM_004984.4 (MANE Select); coding-DNA position 2832, C replaced by G.
Protein change: p.Ile944Met; replaces isoleucine 944 with methionine.
Molecular consequence: missense variant.
Genome position (GRCh38, 1-based): chr12:57,581,491, C>G. VCF-style: chr12-57581491-C-G. GRCh37 (hg19) VCF-style: chr12-57975274-C-G.
Other names: c.2565C>G, p.Ile855Met (NM_001354705.2); short protein forms I855M, I944M.
Identifiers: ClinVar variation 3687843 (VCV003687843.2).